The following is an entry in ClinVar:

NM_004519.4(KCNQ3):c.605-3C>T

Gene: KCNQ3 (potassium voltage-gated channel subfamily Q member 3; minus strand). Cytogenetic location: 8q24.22.
Variant type: single nucleotide variant.
Coding change: c.605-3C>T on transcript NM_004519.4 (MANE Select); 3 bases into the intron before coding-DNA position 605, C replaced by T.
Molecular consequence: intron variant.
Genome position (GRCh38, 1-based): chr8:132,180,332, G>A on the plus strand (C>T on the coding strand, the complement: KCNQ3 is on the minus strand). VCF-style: chr8-132180332-G-A. GRCh37 (hg19) VCF-style: chr8-133192579-G-A.
Other names: c.245-3C>T (NM_001204824.2).
Identifiers: ClinVar variation 1022752 (VCV001022752.8), dbSNP rs1182458253, ClinGen allele CA585279329.

ClinVar aggregate classification (germline): Uncertain significance (1 of 4 stars; one submission).

Conditions:
Benign neonatal seizures. Also called: Benign neonatal familial convulsions; Benign familial neonatal epilepsy; Benign familial neonatal seizures; Convulsions benign familial neonatal dominant form; Autosomal dominant form of benign neonatal seizures. Identifiers: Orphanet 1949, MedGen C0220669, MONDO:0016027.

Allele frequency attached by ClinVar (database versions not stated): gnomAD exomes below 0.00001.
gnomAD v4.1: 5 of 1,613,882 alleles (0.00031%); highest among the groups gnomAD compares: Admixed American, 0.005%; no homozygotes.

Submission:

Labcorp Genetics (formerly Invitae), Labcorp
Classification: Uncertain significance for Benign neonatal seizures. Last evaluated: 2024-11-05. Review status: criteria provided, single submitter. Criteria: Invitae Variant Classification Sherloc (09022015). Collection method: clinical testing. Allele origin: germline.
Comment: This sequence change falls in intron 3 of the KCNQ3 gene. It does not directly change the encoded amino acid sequence of the KCNQ3 protein. It affects a nucleotide within the consensus splice site. This variant is present in population databases (no rsID available, gnomAD 0.003%). This variant has not been reported in the literature in individuals affected with KCNQ3-related conditions. ClinVar contains an entry for this variant (Variation ID: 1022752). Variants that disrupt the consensus splice site are a relatively common cause of aberrant splicing (PMID: 17576681, 9536098). Algorithms developed to predict the effect of sequence changes on RNA splicing suggest that this variant is not likely to affect RNA splicing. In summary, the available evidence is currently insufficient to determine the role of this variant in disease. Therefore, it has been classified as a Variant of Uncertain Significance.

Literature cited by the submitters: PubMed 17576681; PubMed 9536098.